The following is an entry in ClinVar:

NM_000548.5(TSC2):c.1258G>A (p.Glu420Lys)

Gene: TSC2 (TSC complex subunit 2; plus strand). Cytogenetic location: 16p13.3.
Variant type: single nucleotide variant.
Coding change: c.1258G>A on transcript NM_000548.5 (MANE Select); coding-DNA position 1258, G replaced by A.
Protein change: p.Glu420Lys; replaces glutamic acid 420 with lysine.
Molecular consequence: missense variant.
Genome position (GRCh38, 1-based): chr16:2,062,497, G>A. VCF-style: chr16-2062497-G-A. GRCh37 (hg19) VCF-style: chr16-2112498-G-A.
Other names: c.1258G>A, p.Glu420Lys (NM_001077183.3, NM_001114382.3, NM_001363528.2 and 3 more transcripts); c.1147G>A, p.Glu383Lys (NM_001318827.2); c.1111G>A, p.Glu371Lys (NM_001318829.2); c.658G>A, p.Glu220Lys (NM_001318831.2); c.1291G>A, p.Glu431Lys (NM_001318832.2); short protein forms E420K, E371K, E220K, E383K, E431K.
Identifiers: ClinVar variation 467856 (VCV000467856.9), dbSNP rs796053484, ClinGen allele CA394321763.

ClinVar aggregate classification (germline): Uncertain significance. Review status: criteria provided, multiple submitters, no conflicts (2 of 4 stars). 2 submissions from 2 submitters: Uncertain significance (2). Last evaluated 2025-12-22.

Conditions:
Tuberous sclerosis 2 (TSC2). Identifiers: Orphanet 805, MedGen C1860707, MONDO:0013199, OMIM 613254.

Allele frequency attached by ClinVar (database versions not stated): gnomAD exomes below 0.00001.
gnomAD v4.1: 2 of 1,608,536 alleles (0.00012%); highest among the groups gnomAD compares: Non-Finnish European, 0.00017%; no homozygotes.

Submissions (2):

Labcorp Genetics (formerly Invitae), Labcorp
Classification: Uncertain significance for Tuberous sclerosis 2. Last evaluated: 2025-12-22. Review status: criteria provided, single submitter. Criteria: Invitae Variant Classification Sherloc (09022015). Collection method: clinical testing. Allele origin: germline.
Comment: This sequence change replaces glutamic acid, which is acidic and polar, with lysine, which is basic and polar, at codon 420 of the TSC2 protein (p.Glu420Lys). This variant is not present in population databases (gnomAD no frequency). This variant has not been reported in the literature in individuals affected with TSC2-related conditions. ClinVar contains an entry for this variant (Variation ID: 467856). An algorithm developed to predict the effect of missense changes on protein structure and function (PolyPhen-2) suggests that this variant is likely to be tolerated. Algorithms developed to predict the effect of sequence changes on RNA splicing suggest that this variant may create or strengthen a splice site. In summary, the available evidence is currently insufficient to determine the role of this variant in disease. Therefore, it has been classified as a Variant of Uncertain Significance.

GeneDx
Classification: Uncertain significance. Last evaluated: 2025-03-31. Review status: criteria provided, single submitter. Criteria: GeneDx Variant Classification Process June 2021. Collection method: clinical testing. Allele origin: germline. Affected: yes.
Comment: Not observed at significant frequency in large population cohorts (gnomAD); In silico analysis supports that this missense variant has a deleterious effect on protein structure/function; In silico analysis supports a deleterious effect on splicing; Has not been previously published as pathogenic or benign to our knowledge